The following is an entry in ClinVar:

ClinVar aggregate classification (germline): Uncertain significance. Review status: criteria provided, multiple submitters, no conflicts (2 of 4 stars). 2 submissions from 2 submitters: Uncertain significance (2). Last evaluated 2026-02-06.

Allele frequency attached by ClinVar (database versions not stated): gnomAD exomes below 0.00001.
gnomAD v4.1: 4 of 1,611,362 alleles (0.00025%); highest among the groups gnomAD compares: Non-Finnish European, 0.00025%; no homozygotes.

Submissions (2):

GeneDx
Classification: Uncertain significance. Last evaluated: 2026-02-06. Review status: criteria provided, single submitter. Criteria: GeneDx Variant Classification Process June 2021. Collection method: clinical testing. Allele origin: germline.
Comment: Not observed at significant frequency in large population cohorts (gnomAD); In silico analysis suggests that this missense variant does not alter protein structure/function; Has not been previously published as pathogenic or benign to our knowledge

Labcorp Genetics (formerly Invitae), Labcorp
Classification: Uncertain significance. Last evaluated: 2021-06-16. Review status: criteria provided, single submitter. Criteria: Invitae Variant Classification Sherloc (09022015). Collection method: clinical testing. Allele origin: germline.
Comment: In summary, the available evidence is currently insufficient to determine the role of this variant in disease. Therefore, it has been classified as a Variant of Uncertain Significance. Advanced modeling of protein sequence and biophysical properties (such as structural, functional, and spatial information, amino acid conservation, physicochemical variation, residue mobility, and thermodynamic stability) performed at Invitae indicates that this missense variant is not expected to disrupt NEFH protein function. This variant has not been reported in the literature in individuals with NEFH-related conditions. This variant is not present in population databases (ExAC no frequency). This sequence change replaces valine with alanine at codon 890 of the NEFH protein (p.Val890Ala). The valine residue is weakly conserved and there is a small physicochemical difference between valine and alanine.

NM_021076.4(NEFH):c.2669T>C (p.Val890Ala)

Gene: NEFH (neurofilament heavy chain; plus strand). Cytogenetic location: 22q12.2.
Variant type: single nucleotide variant.
Coding change: c.2669T>C on transcript NM_021076.4 (MANE Select); coding-DNA position 2669, T replaced by C.
Protein change: p.Val890Ala; replaces valine 890 with alanine.
Molecular consequence: missense variant.
Genome position (GRCh38, 1-based): chr22:29,490,309, T>C. VCF-style: chr22-29490309-T-C. GRCh37 (hg19) VCF-style: chr22-29886298-T-C.
Other names: c.2669T>C (NM_021076.3); short protein forms V890A.
Identifiers: ClinVar variation 1428988 (VCV001428988.9), dbSNP rs1365000362, ClinGen allele CA411138343.
Genomic context (GRCh38, chr22:29,490,309, plus strand): 5'-CAAAGCCCAAGGTGGAGGAGAAGAAGGAACCTGCTGTCGAAAAGCCCAAAGAATCCAAAG[T>C]TGAAGCCAAGAAGGAAGAGGCTGAAGATAAGAAAAAAGTCCCCACCCCAGAGAAGGAGGC-3'
Protein context (NP_066554.2, residues 880-900): PAVEKPKESK[Val890Ala]EAKKEEAEDK